The following is an entry in ClinVar:

ClinVar aggregate classification (germline): Uncertain significance (1 of 4 stars; one submission).

Conditions:
Epidermolysis bullosa simplex 5C, with pyloric atresia (EBS5C). Also called: PLEC-Related Epidermolysis Bullosa with Pyloric Atresia; Epidermolysis bullosa simplex with pyloric atresia; PLEC1-Related Epidermolysis Bullosa with Pyloric Atresia. Identifiers: Orphanet 158684, MedGen C2677349, MONDO:0012807, OMIM 612138.
Epidermolysis bullosa simplex 5B, with muscular dystrophy (EBS5B). Also called: Epidermolysis bullosa simplex with muscular dystrophy; EPIDERMOLYSIS BULLOSA SIMPLEX AND LIMB-GIRDLE MUSCULAR DYSTROPHY. Identifiers: Orphanet 257, MedGen C2931072, MONDO:0009181, OMIM 226670.
Epidermolysis bullosa simplex, Ogna type (EBS5A). Also called: Pidermolysis bullosa simplex 5A, Ogna type; EPIDERMOLYSIS BULLOSA SIMPLEX 5A, OGNA TYPE. Identifiers: Orphanet 79401, MedGen C0432317, MONDO:0007555, OMIM 131950.
Autosomal recessive limb-girdle muscular dystrophy type 2Q (LGMDR17). Also called: MUSCULAR DYSTROPHY, LIMB-GIRDLE, AUTOSOMAL RECESSIVE 17. Identifiers: Orphanet 254361, MedGen C3150989, MONDO:0013390, OMIM 613723.
Epidermolysis bullosa simplex with nail dystrophy (EBS5D). Identifiers: MedGen C4225309, MONDO:0014661, OMIM 616487.

Allele frequency attached by ClinVar (database versions not stated): ExAC 0.00002; gnomAD 0.00002; TOPMed 0.00002; gnomAD exomes 0.00003.
gnomAD v4.1: 18 of 1,613,080 alleles (0.0011%); highest among the groups gnomAD compares: Admixed American, 0.005%; no homozygotes.

Submission:

Labcorp Genetics (formerly Invitae), Labcorp
Classification: Uncertain significance for Autosomal recessive limb-girdle muscular dystrophy type 2Q; Epidermolysis bullosa simplex, Ogna type; Epidermolysis bullosa simplex with nail dystrophy; Epidermolysis bullosa simplex 5C, with pyloric atresia; Epidermolysis bullosa simplex 5B, with muscular dystrophy. Last evaluated: 2019-07-26. Review status: criteria provided, single submitter. Criteria: Invitae Variant Classification Sherloc (09022015). Collection method: clinical testing. Allele origin: germline.
Comment: This sequence change replaces arginine with glutamine at codon 2965 of the PLEC protein (p.Arg2965Gln). The arginine residue is highly conserved and there is a small physicochemical difference between arginine and glutamine. This variant is present in population databases (rs782476289, ExAC 0.009%). This variant has not been reported in the literature in individuals with PLEC-related conditions. Algorithms developed to predict the effect of missense changes on protein structure and function (SIFT, PolyPhen-2, Align-GVGD) all suggest that this variant is likely to be disruptive, but these predictions have not been confirmed by published functional studies and their clinical significance is uncertain. In summary, the available evidence is currently insufficient to determine the role of this variant in disease. Therefore, it has been classified as a Variant of Uncertain Significance.

NM_201384.3(PLEC):c.8813G>A (p.Arg2938Gln)

Gene: PLEC (plectin; minus strand). Cytogenetic location: 8q24.3.
Variant type: single nucleotide variant.
Coding change: c.8813G>A on transcript NM_201384.3 (MANE Select); coding-DNA position 8813, G replaced by A.
Protein change: p.Arg2938Gln; replaces arginine 2938 with glutamine.
Molecular consequence: missense variant.
Genome position (GRCh38, 1-based): chr8:143,921,008, C>T on the plus strand (G>A on the coding strand, the complement: PLEC is on the minus strand). VCF-style: chr8-143921008-C-T. GRCh37 (hg19) VCF-style: chr8-144995176-C-T.
Other names: c.8894G>A, p.Arg2965Gln (NM_000445.5); c.8771G>A, p.Arg2924Gln (NM_201378.4); c.8747G>A, p.Arg2916Gln (NM_201379.3); c.9224G>A, p.Arg3075Gln (NM_201380.4); c.8717G>A, p.Arg2906Gln (NM_201381.3); c.8813G>A, p.Arg2938Gln (NM_201382.4); c.8825G>A, p.Arg2942Gln (NM_201383.3); short protein forms R2938Q, R2965Q, R2916Q, R2924Q, R3075Q, R2906Q, R2942Q.
Identifiers: ClinVar variation 953668 (VCV000953668.7), dbSNP rs782476289, ClinGen allele CA4925176.
Genomic context (GRCh38, chr8:143,921,008, plus strand): 5'-ATCTTGATGATCTTCTCCACTGTGATCCGGCCCGTGCGGAACTGCCGCAGCAGGTCCCGC[C>T]GCTGCTCTGCCGTGAAGTATTCCGAGTTGATGATCTCCCAAATGGTCACCGTCTTGCCCT-3'
Protein context (NP_958786.1, residues 2928-2948): INSEYFTAEQ[Arg2938Gln]RDLLRQFRTG